The following is an entry in ClinVar:

ClinVar aggregate classification (germline): Uncertain significance (1 of 4 stars; one submission).

Conditions:
Charcot-Marie-Tooth disease type 2. Also called: Charcot-Marie-Tooth type 2. Identifiers: Orphanet 64746, MedGen C0270914, MONDO:0018993.

Submission:

Labcorp Genetics (formerly Invitae), Labcorp
Classification: Uncertain significance for Charcot-Marie-Tooth disease type 2. Last evaluated: 2020-06-03. Review status: criteria provided, single submitter. Criteria: Invitae Variant Classification Sherloc (09022015). Collection method: clinical testing. Allele origin: germline.
Comment: This sequence change replaces valine with methionine at codon 226 of the MFN2 protein (p.Val226Met). The valine residue is highly conserved and there is a small physicochemical difference between valine and methionine. This variant is not present in population databases (ExAC no frequency). This variant has not been reported in the literature in individuals with MFN2-related conditions. ClinVar contains an entry for this variant (Variation ID: 651519). Algorithms developed to predict the effect of missense changes on protein structure and function are either unavailable or do not agree on the potential impact of this missense change (SIFT: "Deleterious"; PolyPhen-2: "Possibly Damaging"; Align-GVGD: "Class C15"). In summary, the available evidence is currently insufficient to determine the role of this variant in disease. Therefore, it has been classified as a Variant of Uncertain Significance.

NM_014874.4(MFN2):c.676G>A (p.Val226Met)

Gene: MFN2 (mitofusin 2; plus strand). Cytogenetic location: 1p36.22.
Variant type: single nucleotide variant.
Coding change: c.676G>A on transcript NM_014874.4 (MANE Select); coding-DNA position 676, G replaced by A.
Protein change: p.Val226Met; replaces valine 226 with methionine.
Molecular consequence: missense variant.
Genome position (GRCh38, 1-based): chr1:11,998,846, G>A. VCF-style: chr1-11998846-G-A. GRCh37 (hg19) VCF-style: chr1-12058903-G-A.
Other names: c.676G>A, p.Val226Met (NM_001127660.2); short protein forms V226M.
Identifiers: ClinVar variation 651519 (VCV000651519.10), dbSNP rs1569842610, ClinGen allele CA338438347.